The following is an entry in ClinVar:

NM_005560.6(LAMA5):c.6024C>T (p.Pro2008=)

Gene: LAMA5 (laminin subunit alpha 5; minus strand). Cytogenetic location: 20q13.33.
Variant type: single nucleotide variant.
Coding change: c.6024C>T on transcript NM_005560.6 (MANE Select); coding-DNA position 6024, C replaced by T.
Protein change: p.Pro2008=; no amino-acid change (proline 2008 retained).
Molecular consequence: synonymous variant.
Genome position (GRCh38, 1-based): chr20:62,323,496, G>A on the plus strand (C>T on the coding strand, the complement: LAMA5 is on the minus strand). VCF-style: chr20-62323496-G-A. GRCh37 (hg19) VCF-style: chr20-60898552-G-A.
Identifiers: ClinVar variation 787500 (VCV000787500.9), dbSNP rs367854786, ClinGen allele CA9941934.

ClinVar aggregate classification (germline): Likely benign. Review status: criteria provided, single submitter (1 of 4 stars). 2 submissions from 2 submitters: Likely benign (1). 1 of the submissions does not count toward it. Last evaluated 2025-10-13.

Conditions:
LAMA5-related disorder. Also called: LAMA5-Related Disorders; LAMA5-related condition.

Allele frequency attached by ClinVar (database versions not stated): gnomAD exomes 0.00016; 1000 Genomes Project 30x 0.00031; 1000 Genomes Project 0.00040; ExAC 0.00041; gnomAD 0.00062 and 0.00068; ESP Exome Variant Server 0.00064; TOPMed 0.00077.
gnomAD v4.1: 428 of 1,556,954 alleles (0.027%); highest among the groups gnomAD compares: African/African-American, 0.2%; 1 homozygote.

Submissions (2):

Labcorp Genetics (formerly Invitae), Labcorp
Classification: Likely benign. Last evaluated: 2025-10-13. Review status: criteria provided, single submitter. Criteria: Invitae Variant Classification Sherloc (09022015). Collection method: clinical testing. Allele origin: germline.

PreventionGenetics, part of Exact Sciences
Classification: Likely benign for LAMA5-related condition. Last evaluated: 2023-11-30. Review status: no assertion criteria provided. Collection method: clinical testing. Allele origin: germline. Not counted in ClinVar's aggregate classification.
Comment: This variant is classified as likely benign based on ACMG/AMP sequence variant interpretation guidelines (Richards et al. 2015 PMID: 25741868, with internal and published modifications).